The following is an entry in ClinVar:

ClinVar aggregate classification (germline): Uncertain significance (1 of 4 stars; one submission).

Allele frequency attached by ClinVar (database versions not stated): gnomAD 0.00001; gnomAD exomes 0.00002; ExAC 0.00003.
gnomAD v4.1: 25 of 1,612,476 alleles (0.0016%); highest among the groups gnomAD compares: Middle Eastern, 0.21%; 2 homozygotes.

Submission:

Labcorp Genetics (formerly Invitae), Labcorp
Classification: Uncertain significance. Last evaluated: 2022-11-15. Review status: criteria provided, single submitter. Criteria: Invitae Variant Classification Sherloc (09022015). Collection method: clinical testing. Allele origin: germline.
Comment: In summary, the available evidence is currently insufficient to determine the role of this variant in disease. Therefore, it has been classified as a Variant of Uncertain Significance. Algorithms developed to predict the effect of sequence changes on RNA splicing suggest that this variant may disrupt the consensus splice site. This variant has not been reported in the literature in individuals affected with SLCO5A1-related conditions. This variant is present in population databases (rs772165770, gnomAD 0.01%). This sequence change falls in intron 5 of the SLCO5A1 gene. It does not directly change the encoded amino acid sequence of the SLCO5A1 protein.

NM_030958.3(SLCO5A1):c.1424-9T>A

Gene: SLCO5A1 (solute carrier organic anion transporter family member 5A1; minus strand). Cytogenetic location: 8q13.3.
Variant type: single nucleotide variant.
Coding change: c.1424-9T>A on transcript NM_030958.3 (MANE Select); 9 bases into the intron before coding-DNA position 1424, T replaced by A.
Molecular consequence: intron variant.
Genome position (GRCh38, 1-based): chr8:69,705,238, A>T on the plus strand (T>A on the coding strand, the complement: SLCO5A1 is on the minus strand). VCF-style: chr8-69705238-A-T. GRCh37 (hg19) VCF-style: chr8-70617473-A-T.
Other names: c.1424-9T>A (NM_001146008.2); c.1259-9T>A (NM_001146009.1).
Identifiers: ClinVar variation 2716808 (VCV002716808.3), dbSNP rs772165770, ClinGen allele CA4776578.